The following is an entry in ClinVar:

ClinVar aggregate classification (germline): Uncertain significance. Review status: criteria provided, multiple submitters, no conflicts (2 of 4 stars). 2 submissions from 2 submitters: Uncertain significance (2). Last evaluated 2023-07-23.

Allele frequency attached by ClinVar (database versions not stated): TOPMed below 0.00001.

Submissions (2):

Ambry Genetics
Classification: Uncertain significance. Last evaluated: 2023-07-23. Review status: criteria provided, single submitter. Criteria: Ambry Variant Classification Scheme 2023. Collection method: clinical testing. Allele origin: germline.
Comment: The p.S505G variant (also known as c.1513A>G), located in coding exon 15 of the RASA2 gene, results from an A to G substitution at nucleotide position 1513. The serine at codon 505 is replaced by glycine, an amino acid with similar properties. This amino acid position is conserved. In addition, the in silico prediction for this alteration is inconclusive. Since supporting evidence is limited at this time, the clinical significance of this alteration remains unclear.

Labcorp Genetics (formerly Invitae), Labcorp
Classification: Uncertain significance. Last evaluated: 2021-04-19. Review status: criteria provided, single submitter. Criteria: Invitae Variant Classification Sherloc (09022015). Collection method: clinical testing. Allele origin: germline.
Comment: In summary, the available evidence is currently insufficient to determine the role of this variant in disease. Therefore, it has been classified as a Variant of Uncertain Significance. Algorithms developed to predict the effect of missense changes on protein structure and function (SIFT, PolyPhen-2, Align-GVGD) all suggest that this variant is likely to be disruptive, but these predictions have not been confirmed by published functional studies and their clinical significance is uncertain. This variant has not been reported in the literature in individuals with RASA2-related conditions. This variant is not present in population databases (ExAC no frequency). This sequence change replaces serine with glycine at codon 505 of the RASA2 protein (p.Ser505Gly). The serine residue is highly conserved and there is a small physicochemical difference between serine and glycine.

NM_006506.5(RASA2):c.1513A>G (p.Ser505Gly)

Gene: RASA2 (RAS p21 protein activator 2; plus strand). Cytogenetic location: 3q23.
Variant type: single nucleotide variant.
Coding change: c.1513A>G on transcript NM_006506.5 (MANE Select); coding-DNA position 1513, A replaced by G.
Protein change: p.Ser505Gly; replaces serine 505 with glycine.
Molecular consequence: missense variant.
Genome position (GRCh38, 1-based): chr3:141,577,029, A>G. VCF-style: chr3-141577029-A-G. GRCh37 (hg19) VCF-style: chr3-141295871-A-G.
Other names: c.1513A>G, p.Ser505Gly (NM_001303245.3, NM_001303246.3); c.1513A>G (NM_006506.2); short protein forms S505G.
Identifiers: ClinVar variation 1430018 (VCV001430018.9), dbSNP rs2083023414, ClinGen allele CA354778962.
Genomic context (GRCh38, chr3:141,577,029, plus strand): 5'-TGCATGACATTTCACCATTTTTTTCCTGCAGATGACCCTCATGTTCAGTATTCTGCAGTG[A>G]GCAGCTTTGTATTTCTTCGTTTCTTTGCTGTAGCCGTAGTATCACCTCATACTTTTCATT-3'
Protein context (NP_006497.2, residues 495-515): NDPHVQYSAV[Ser505Gly]SFVFLRFFAV